The following is an entry in ClinVar:

ClinVar aggregate classification (germline): Uncertain significance (1 of 4 stars; one submission).

Submission:

GeneDx
Classification: Uncertain significance. Last evaluated: 2022-10-20. Review status: criteria provided, single submitter. Criteria: GeneDx Variant Classification Process June 2021. Collection method: clinical testing. Allele origin: germline. Affected: yes.
Comment: Identified in one patient with congenital heart disease (The NICUSeq Study Group, 2021); Not observed at significant frequency in large population cohorts (gnomAD); In silico analysis supports that this missense variant has a deleterious effect on protein structure/function; This variant is associated with the following publications: (PMID: 27532257, 29300372, 34570182)

NM_000257.4(MYH7):c.857T>C (p.Phe286Ser)

Gene: MYH7 (myosin heavy chain 7; minus strand). Cytogenetic location: 14q11.2.
Variant type: single nucleotide variant.
Coding change: c.857T>C on transcript NM_000257.4 (MANE Select); coding-DNA position 857, T replaced by C.
Protein change: p.Phe286Ser; replaces phenylalanine 286 with serine.
Molecular consequence: missense variant.
Genome position (GRCh38, 1-based): chr14:23,430,939, A>G on the plus strand (T>C on the coding strand, the complement: MYH7 is on the minus strand). VCF-style: chr14-23430939-A-G. GRCh37 (hg19) VCF-style: chr14-23900148-A-G.
Other names: short protein forms F286S.
Identifiers: ClinVar variation 1185743 (VCV001185743.5), dbSNP rs1892909255, ClinGen allele CA389051892.